The following is an entry in ClinVar:

ClinVar aggregate classification (germline): Uncertain significance (1 of 4 stars; one submission).

Conditions:
Hereditary cancer-predisposing syndrome. Also called: Hereditary neoplastic syndrome; Tumor predisposition; Neoplastic Syndromes, Hereditary; Hereditary Cancer Syndrome. Identifiers: Orphanet 140162, MedGen C0027672, MeSH D009386, MONDO:0015356.

Submission:

Ambry Genetics
Classification: Uncertain significance for Hereditary cancer-predisposing syndrome. Last evaluated: 2026-02-09. Review status: criteria provided, single submitter. Criteria: Ambry Variant Classification Scheme 2023. Collection method: clinical testing. Allele origin: germline.
Comment: The c.1260-12_1262dup15 variant results from a duplication of 15 nucleotides between positions c.1260-12 and c.1262 and involves the canonical splice acceptor site before coding exon 11 of the CHEK2 gene. Using the BDGP and ESEfinder splice site prediction tools, the strength of the native acceptor splice site is maintained but shifted 15 nucleotides downstream resulting in a translational frameshift predicted to result in the in-frame insertion of five amino acids; however, the exact impact of this duplication on CHEK2 splicing and function is currently insufficient (Ambry internal data). The canonical splice acceptor site is highly conserved in available vertebrate species. Based on the available evidence, the clinical significance of this variant remains unclear.

NM_007194.4(CHEK2):c.1260-12_1262dup

Gene: CHEK2 (checkpoint kinase 2; minus strand). Cytogenetic location: 22q12.1.
Variant type: Duplication.
Coding change: c.1260-12_1262dup on transcript NM_007194.4 (MANE Select); 12 bases into the intron before coding-DNA position 1260 through coding-DNA position 1262, 15 bases duplicated (ACCAATATTAAGCCT).
Molecular consequence: splice acceptor variant.
Genome position (GRCh38, 1-based): chr22:28,695,240-28,695,254, AGGCTTAATATTGGT duplicated on the plus strand (ACCAATATTAAGCCT on the coding strand, the reverse complement: CHEK2 is on the minus strand); duplicating any 15 consecutive bases within chr22:28,695,240-28,695,256 gives the same sequence; the c. name uses the placement nearest the transcript's 3' end. VCF-style (leftmost placement, unchanged base first): chr22-28695239-A-AAGGCTTAATATTGGT. GRCh37 (hg19) VCF-style: chr22-29091227-A-AAGGCTTAATATTGGT.
Other names: c.597-12_599dup (NM_001437942.1, NM_001257387.3); c.1059-12_1061dup (NM_001349956.3); c.1173-12_1175dup (NM_145862.3); c.1266-12_1268dup (NM_001438295.1); c.1353-12_1355dup (NM_001438293.1); c.1302-12_1304dup (NM_001438294.1); c.1389-12_1391dup (NM_001005735.3).
Identifiers: ClinVar variation 3266963 (VCV003266963.2).
Genomic context (GRCh38, chr22:28,695,239, plus strand): 5'-GGTGATCTGATCCTTCAGTGACACTTGAGTCCTATGCTCAGAGAAAGGTGGATACCCACT[A>AAGGCTTAATATTGGT]AGGCTTAATATTGGTAGAGAGAGAAAGGAAAAGAAATCAAGTGGCATTCTCAGTGGCATT-3'